The following is an entry in ClinVar:

ClinVar aggregate classification (germline): Pathogenic. Review status: reviewed by expert panel (3 of 4 stars). 18 submissions from 18 submitters: Pathogenic (1). 17 of the submissions do not count toward it. Last evaluated 2016-09-08.

Conditions:
BRCA1-related disorder. Also called: BRCA1-related condition.
Breast and/or ovarian cancer. Identifiers: MedGen CN221562.
Hereditary cancer-predisposing syndrome. Also called: Neoplastic Syndromes, Hereditary; Tumor predisposition; Hereditary neoplastic syndrome; Hereditary Cancer Syndrome. Identifiers: Orphanet 140162, MedGen C0027672, MeSH D009386, MONDO:0015356.
Hereditary breast ovarian cancer syndrome. Also called: Breast and ovarian cancer; Hereditary breast and/or ovarian cancer syndrome; Hereditary breast and ovarian cancer syndrome (HBOC); Hereditary breast and ovarian cancer; Hereditary breast and ovarian cancer syndrome; BRCA1- and BRCA2-Associated Hereditary Breast and Ovarian Cancer. Identifiers: Orphanet 145, MedGen C0677776, MeSH D061325, MONDO:0003582. Disease mechanism: loss of function.
Breast-ovarian cancer, familial, susceptibility to, 1 (BROVCA1). Also called: BRCA1 Hereditary Breast and Ovarian Cancer; OVARIAN CANCER, SUSCEPTIBILITY TO. Identifiers: Orphanet 145, MedGen C2676676, MONDO:0011450, OMIM 604370. Disease mechanism: loss of function.

Submissions 1 to 8 of 18:

Evidence-based Network for the Interpretation of Germline Mutant Alleles (ENIGMA)
Classification: Pathogenic for Breast-ovarian cancer, familial, susceptibility to, 1. Last evaluated: 2016-09-08. Review status: reviewed by expert panel. Criteria: ENIGMA BRCA1/2 Classification Criteria (2015). Collection method: curation. Allele origin: germline.
Comment: Variant allele predicted to encode a truncated non-functional protein.

Labcorp Genetics (formerly Invitae), Labcorp
Classification: Pathogenic for Hereditary breast ovarian cancer syndrome. Last evaluated: 2025-12-17. Review status: criteria provided, single submitter. Criteria: Invitae Variant Classification Sherloc (09022015). Collection method: clinical testing. Allele origin: germline. Not counted in ClinVar's aggregate classification.
Comment: This sequence change creates a premature translational stop signal (p.Ser766*) in the BRCA1 gene. It is expected to result in an absent or disrupted protein product. Loss-of-function variants in BRCA1 are known to be pathogenic (PMID: 20104584). This variant is present in population databases (rs80357780, gnomAD 0.003%). This premature translational stop signal has been observed in individual(s) with hereditary breast and/or ovarian cancer (PMID: 7894493, 18821011, 22798144, 25863477, 26028024). In at least one individual the variant was observed to be de novo. This variant is also known as 2415delAG. ClinVar contains an entry for this variant (Variation ID: 17666). For these reasons, this variant has been classified as Pathogenic.

Blueprint Genetics
Classification: Pathogenic for BRCA1-related disorders. Last evaluated: 2024-02-07. Review status: criteria provided, single submitter. Criteria: ACMG Guidelines, 2015. Collection method: clinical testing. Allele origin: germline. Affected: yes. Observed: 1 variant allele. Not counted in ClinVar's aggregate classification.

All of Us Research Program, National Institutes of Health
Classification: Pathogenic for Breast-ovarian cancer, familial, susceptibility to, 1. Last evaluated: 2023-10-23. Review status: criteria provided, single submitter. Criteria: ACMG Guidelines, 2015. Collection method: clinical testing. Allele origin: germline. Inheritance: Autosomal dominant inheritance. Observed: 1 variant allele, 1 heterozygote. Not counted in ClinVar's aggregate classification.
Comment: This variant deletes 2 nucleotides in exon 10 of the BRCA1 gene, creating a frameshift and premature translation stop signal. This variant is expected to result in an absent or non-functional protein product. This variant has been reported in multiple individuals and families affected with breast and/or ovarian cancer (PMID: 7894493, 8533757, 16030099, 18821011, 22798144, 25863477, 26028024, 32438681, 34072659). This variant has been identified in 12 families among the CIMBA participants (PMID: 29446198). In a large breast cancer case-control study (PMID: 33471991), this variant has been observed in 2/60466 cases and 1/53461 unaffected controls. This variant has been identified in 1/251084 chromosomes in the general population by the Genome Aggregation Database (gnomAD). Loss of BRCA1 function is a known mechanism of disease. Based on the available evidence, this variant is classified as Pathogenic.

This study involves interpretation of variants in research participants for the purpose of population health screening. Participant phenotype was not available at the time of variant classification. Additional details can be found in publication PMID: 35346344, PMCID: PMC8962531

Women's Health and Genetics/Laboratory Corporation of America, LabCorp
Classification: Pathogenic for Hereditary breast ovarian cancer syndrome. Last evaluated: 2023-09-29. Review status: criteria provided, single submitter. Criteria: LabCorp Variant Classification Summary - May 2015. Collection method: clinical testing. Allele origin: germline. Not counted in ClinVar's aggregate classification.
Comment: Variant summary: BRCA1 c.2296_2297delAG (p.Ser766X) results in a premature termination codon, predicted to cause a truncation of the encoded protein or absence of the protein due to nonsense mediated decay, which are commonly known mechanisms for disease. Variants downstream of this position have been classified as pathogenic by our laboratory. The variant allele was found at a frequency of 4e-06 in 251084 control chromosomes (gnomAD). c.2296_2297delAG has been reported in the literature in multiple individuals affected with Hereditary Breast And Ovarian Cancer Syndrome (example: Rebbeck_2018). These data indicate that the variant is very likely to be associated with disease. The following publication has been ascertained in the context of this evaluation (PMID: 29446198). Eight submitters (including ENIGMA expert panel) have cited clinical-significance assessments for this variant to ClinVar after 2014. All submitters classified the variant as pathogenic. Based on the evidence outlined above, the variant was classified as pathogenic.

Color Diagnostics, LLC DBA Color Health
Classification: Pathogenic for Hereditary cancer-predisposing syndrome. Last evaluated: 2023-09-06. Review status: criteria provided, single submitter. Criteria: ACMG Guidelines, 2015. Collection method: clinical testing. Allele origin: germline. Not counted in ClinVar's aggregate classification.
Comment: This variant deletes 2 nucleotides in exon 10 of the BRCA1 gene, creating a frameshift and premature translation stop signal. This variant is expected to result in an absent or non-functional protein product. This variant has been reported in multiple individuals and families affected with breast and/or ovarian cancer (PMID: 7894493, 8533757, 16030099, 18821011, 22798144, 25863477, 26028024, 32438681, 34072659). This variant has been identified in 12 families among the CIMBA participants (PMID: 29446198). In a large breast cancer case-control study (PMID: 33471991), this variant has been observed in 2/60466 cases and 1/53461 unaffected controls. This variant has been identified in 1/251084 chromosomes in the general population by the Genome Aggregation Database (gnomAD). Loss of BRCA1 function is a known mechanism of disease. Based on the available evidence, this variant is classified as Pathogenic.

Clinical Genetics Laboratory, Skane University Hospital Lund
Classification: Pathogenic. Last evaluated: 2023-05-11. Review status: criteria provided, single submitter. Criteria: ACMG Guidelines, 2015. Collection method: clinical testing. Allele origin: germline. Affected: yes. Not counted in ClinVar's aggregate classification.

GeneDx
Classification: Pathogenic. Last evaluated: 2023-03-21. Review status: criteria provided, single submitter. Criteria: GeneDx Variant Classification Process June 2021. Collection method: clinical testing. Allele origin: germline. Affected: yes. Not counted in ClinVar's aggregate classification.
Comment: Nonsense variant predicted to result in protein truncation or nonsense mediated decay in a gene for which loss-of-function is a known mechanism of disease; Observed in individuals with a personal or family history consistent with pathogenic variants in this gene (Papi 2009, Kim 2012, Weitzel 2005, Azzollini 2016, Singh 2018); Not observed at a significant frequency in large population cohorts (gnomAD); Truncating variants in this gene are considered pathogenic by a well-established clinical consortium and/or database; Also known as 2415_2416delAG; This variant is associated with the following publications: (PMID: 34413315, 32438681, 22798144, 30630528, 29922827, 31447099, 7894493, 29470806, 27062684, 30720243, 16030099, 18821011, 25863477)

NM_007294.4(BRCA1):c.2296_2297del (p.Glu765_Ser766insTer)

Gene: BRCA1 (BRCA1 DNA repair associated; minus strand). Cytogenetic location: 17q21.31.
Variant type: Microsatellite.
Coding change: c.2296_2297del on transcript NM_007294.4 (MANE Select); coding-DNA positions 2296 to 2297, 2 bases deleted (AG; older notation c.2296_2297delAG).
Protein change: p.Glu765_Ser766insTer.
Molecular consequence: nonsense. On other transcripts: frameshift variant (1), intron variant (137).
Genome position (GRCh38, 1-based): chr17:43,093,234-43,093,235, CT deleted on the plus strand (AG on the coding strand, the reverse complement: BRCA1 is on the minus strand); deleting any 2 consecutive bases within chr17:43,093,234-43,093,239 gives the same sequence; the c. name uses the placement nearest the transcript's 3' end. VCF-style (leftmost placement, unchanged base first): chr17-43093233-ACT-A. GRCh37 (hg19) VCF-style: chr17-41245250-ACT-A.
Other names: S766*; 2415delAG; c.2296_2297delAG (NM_007294.3); c.2293_2294del, p.Glu764_Ser765insTer (NM_001407635.1, NM_001407636.1, NM_001407637.1 and 22 more transcripts); c.2296_2297del, p.Glu765_Ser766insTer (NM_001407639.1, NM_001407640.1, NM_001407641.1 and 30 more transcripts); c.2287_2288del, p.Glu762_Ser763insTer (NM_001407646.1, NM_001407647.1); c.2173_2174del, p.Glu724_Ser725insTer (NM_001407648.1, NM_001407664.1, NM_001407665.1 and 19 more transcripts); c.2170_2171del, p.Glu723_Ser724insTer (NM_001407649.1, NM_001407670.1, NM_001407671.1 and 11 more transcripts); and 44 more.
Identifiers: ClinVar variation 17666 (VCV000017666.29), dbSNP rs80357780, ClinGen allele CA001528.